The following is an entry in ClinVar:

ClinVar aggregate classification (germline): Uncertain significance (1 of 4 stars; one submission).

Conditions:
Primary ciliary dyskinesia 30. Also called: CILIARY DYSKINESIA, PRIMARY, 30, WITH OR WITHOUT SITUS INVERSUS. Identifiers: Orphanet 244, MedGen C4015016, MONDO:0014465, OMIM 616037.

Submission:

Labcorp Genetics (formerly Invitae), Labcorp
Classification: Uncertain significance for Primary ciliary dyskinesia 30. Last evaluated: 2017-09-03. Review status: criteria provided, single submitter. Criteria: Invitae Variant Classification Sherloc (09022015). Collection method: clinical testing. Allele origin: germline.
Comment: Algorithms developed to predict the effect of missense changes on protein structure and function do not agree on the potential impact of this missense change (SIFT: "Tolerated"; PolyPhen-2: "Possibly Damaging"; Align-GVGD: "Class C0"). In summary, the available evidence is currently insufficient to determine the role of this variant in disease. Therefore, it has been classified as a Variant of Uncertain Significance. This variant has not been reported in the literature in individuals with CCDC151-related disease. This variant is not present in population databases (ExAC no frequency). This sequence change replaces proline with arginine at codon 497 of the CCDC151 protein (p.Pro497Arg). The proline residue is weakly conserved and there is a moderate physicochemical difference between proline and arginine.

NM_145045.5(ODAD3):c.1490C>G (p.Pro497Arg)

Gene: ODAD3 (outer dynein arm docking complex subunit 3; minus strand). Cytogenetic location: 19p13.2.
Variant type: single nucleotide variant.
Coding change: c.1490C>G on transcript NM_145045.5 (MANE Select); coding-DNA position 1490, C replaced by G.
Protein change: p.Pro497Arg; replaces proline 497 with arginine.
Molecular consequence: missense variant.
Genome position (GRCh38, 1-based): chr19:11,421,777, G>C on the plus strand (C>G on the coding strand, the complement: ODAD3 is on the minus strand). VCF-style: chr19-11421777-G-C. GRCh37 (hg19) VCF-style: chr19-11532445-G-C.
Other names: c.1328C>G, p.Pro443Arg (NM_001302453.1); c.1310C>G, p.Pro437Arg (NM_001302454.2); short protein forms P497R, P437R, P443R.
Identifiers: ClinVar variation 544215 (VCV000544215.8), dbSNP rs1340885760, ClinGen allele CA404119333.
Genomic context (GRCh38, chr19:11,421,777, plus strand): 5'-TGGCCCTGGAGCTGCGCCTGCAGTTTCAGCAGCTTTTCCTCCACGAGGCCCAGCAGGTTT[G>C]GCACATAGTTATCTGCCTGGGGATCCAGCTCCTTTCCCGCGAAGCGGCCGTCCTCCTGCG-3'
Protein context (NP_659482.3, residues 487-507): ELDPQADNYV[Pro497Arg]NLLGLVEEKL